The following is an entry in ClinVar:

NM_018310.4(BRF2):c.277G>A (p.Ala93Thr)

Gene: BRF2 (BRF2 general transcription factor IIIB subunit; minus strand). Cytogenetic location: 8p11.23.
Variant type: single nucleotide variant.
Coding change: c.277G>A on transcript NM_018310.4 (MANE Select); coding-DNA position 277, G replaced by A.
Protein change: p.Ala93Thr; replaces alanine 93 with threonine.
Molecular consequence: missense variant.
Genome position (GRCh38, 1-based): chr8:37,847,113, C>T on the plus strand (G>A on the coding strand, the complement: BRF2 is on the minus strand). VCF-style: chr8-37847113-C-T. GRCh37 (hg19) VCF-style: chr8-37704631-C-T.
Other names: short protein forms A93T.
Identifiers: ClinVar variation 161715 (VCV000161715.3), dbSNP rs142395337, ClinGen allele CA174650.

ClinVar aggregate classification (germline): Uncertain significance. Review status: criteria provided, single submitter (1 of 4 stars). 2 submissions from 2 submitters: Uncertain significance (1). 1 of the submissions does not count toward it.

Conditions:
Prostate cancer. Also called: Malignant tumor of prostate. Identifiers: Orphanet 1331, MedGen C0376358, MONDO:0008315, HP:0012125.

Allele frequency attached by ClinVar (database versions not stated): gnomAD exomes 0.00007 and 0.00006; gnomAD 0.00004; ESP Exome Variant Server 0.00008; TOPMed 0.00005; ExAC 0.00007.

Submissions (2):

Breakthrough Genomics
Classification: Uncertain significance. Review status: criteria provided, single submitter. Criteria: ACMG Guidelines, 2015. Collection method: not provided. Allele origin: germline. Inheritance: Autosomal recessive inheritance. Affected: yes.

Science for Life laboratory,  Karolinska Institutet
Classification: Uncertain significance for Malignant tumor of prostate. Review status: no assertion criteria provided. Collection method: not provided. Allele origin: somatic. Not counted in ClinVar's aggregate classification.
Comment: TumorID:SWE-90B
ClinVar note: Converted during submission from Unknown to Uncertain significance.